The following is an entry in ClinVar:

ClinVar aggregate classification (germline): Likely pathogenic. Review status: criteria provided, multiple submitters, no conflicts (2 of 4 stars). 4 submissions from 4 submitters: Likely pathogenic (4). Last evaluated 2026-04-22.

Conditions:
Glycogen storage disease IV, classic hepatic. Also called: GSD IV, CLASSIC HEPATIC. Identifiers: MedGen C1856301.
Glycogen storage disease, type IV (GSD4). Also called: AMYLOPECTINOSIS; ANDERSEN DISEASE; BRANCHER DEFICIENCY; Glycogen storage disease due to glycogen branching enzyme deficiency; CIRRHOSIS, FAMILIAL, WITH DEPOSITION OF ABNORMAL GLYCOGEN; GBE1 DEFICIENCY. Identifiers: Orphanet 367, MedGen C0017923, MONDO:0009292, OMIM 232500.
Adult polyglucosan body disease (APBN). Also called: POLYGLUCOSAN BODY DISEASE, ADULT FORM; GBE1-Adult Polyglucosan Body Disease. Identifiers: Orphanet 206583, MedGen C1849722, MONDO:0009897, OMIM 263570.

Allele frequency attached by ClinVar (database versions not stated): gnomAD exomes below 0.00001.
gnomAD v4.1: 2 of 1,528,464 alleles (0.00013%); highest among the groups gnomAD compares: Non-Finnish European, 0.00018%; no homozygotes.

Submissions (4):

Myriad Genetics, Inc.
Classification: Likely pathogenic for Glycogen storage disease, type IV. Last evaluated: 2026-04-22. Review status: criteria provided, single submitter. Criteria: Myriad Autosomal Dominant, Autosomal Recessive and X-Linked Classification Criteria (2023). Collection method: clinical testing. Allele origin: unknown.
Comment: NM_000158.3(GBE1):c.2052+1G>T is a variant in a canonical splice site classified as likely pathogenic in the context of glycogen storage disease, GBE1-related. c.2052+1G>T has been observed in a case with relevant disease (PMID: 26789422). Relevant functional assessments of this variant are not available in the literature. c.2052+1G>T has not been observed in referenced population frequency databases. In summary, NM_000158.3(GBE1):c.2052+1G>T is a variant in a canonical splice site that has been observed more frequently in cases with the relevant disease than in healthy populations. Please note: this variant was assessed in the context of healthy population screening.

Labcorp Genetics (formerly Invitae), Labcorp
Classification: Likely pathogenic for Glycogen storage disease, type IV; Glycogen storage disease IV, classic hepatic. Last evaluated: 2025-07-09. Review status: criteria provided, single submitter. Criteria: Invitae Variant Classification Sherloc (09022015). Collection method: clinical testing. Allele origin: germline.
Comment: This sequence change affects a donor splice site in intron 15 of the GBE1 gene. While this variant is not anticipated to result in nonsense mediated decay, it likely alters RNA splicing and results in a disrupted protein product. This variant is not present in population databases (gnomAD no frequency). Disruption of this splice site has been observed in individual(s) with adult polyglucosan body disease and/or glycogen storage disease IV (PMID: 26789422, 27546458). ClinVar contains an entry for this variant (Variation ID: 1516218). Variants that disrupt the consensus splice site are a relatively common cause of aberrant splicing (PMID: 17576681, 9536098). Algorithms developed to predict the effect of sequence changes on RNA splicing suggest that this variant may disrupt the consensus splice site. This variant disrupts the C-terminus of the GBE1 protein. Other variant(s) that disrupt this region (c.2053-3358_2053-3350delins19) have been observed in individuals with GBE1-related conditions (PMID: 25665141). This suggests that this may be a clinically significant region of the protein. In summary, the currently available evidence indicates that the variant is pathogenic, but additional data are needed to prove that conclusively. Therefore, this variant has been classified as Likely Pathogenic.

Fulgent Genetics
Classification: Likely pathogenic for Glycogen storage disease, type IV; Adult polyglucosan body disease. Last evaluated: 2024-06-14. Review status: criteria provided, single submitter. Criteria: ACMG Guidelines, 2015. Collection method: clinical testing. Allele origin: germline.

Baylor Genetics
Classification: Likely pathogenic for Glycogen storage disease, type IV. Last evaluated: 2023-05-11. Review status: criteria provided, single submitter. Criteria: ACMG Guidelines, 2015. Collection method: clinical testing. Allele origin: unknown.

Literature cited by the submitters: PubMed 26789422 (cited by Myriad Genetics, Inc. and Labcorp Genetics (formerly Invitae), Labcorp); PubMed 27546458 (cited by Labcorp Genetics (formerly Invitae), Labcorp); PubMed 17576681 (cited by Labcorp Genetics (formerly Invitae), Labcorp); PubMed 9536098 (cited by Labcorp Genetics (formerly Invitae), Labcorp); PubMed 25665141 (cited by Labcorp Genetics (formerly Invitae), Labcorp).

NM_000158.4(GBE1):c.2052+1G>T

Gene: GBE1 (1,4-alpha-glucan branching enzyme 1; minus strand). Cytogenetic location: 3p12.2.
Variant type: single nucleotide variant.
Coding change: c.2052+1G>T on transcript NM_000158.4 (MANE Select); the canonical splice donor site of the intron after coding-DNA position 2052, G replaced by T.
Molecular consequence: splice donor variant.
Genome position (GRCh38, 1-based): chr3:81,499,109, C>A on the plus strand (G>T on the coding strand, the complement: GBE1 is on the minus strand). VCF-style: chr3-81499109-C-A. GRCh37 (hg19) VCF-style: chr3-81548260-C-A.
Identifiers: ClinVar variation 1516218 (VCV001516218.9), dbSNP rs2106809795, ClinGen allele CA353684280.